The following is an entry in ClinVar:

NM_000059.4(BRCA2):c.7007+2T>C

Gene: BRCA2 (BRCA2 DNA repair associated; plus strand). Cytogenetic location: 13q13.1.
Variant type: single nucleotide variant.
Coding change: c.7007+2T>C on transcript NM_000059.4 (MANE Select); the canonical splice donor site of the intron after coding-DNA position 7007, T replaced by C.
Molecular consequence: splice donor variant.
Genome position (GRCh38, 1-based): chr13:32,346,898, T>C. VCF-style: chr13-32346898-T-C. GRCh37 (hg19) VCF-style: chr13-32921035-T-C.
Other names: c.7007+2T>C (NM_001406720.1); c.6911+2T>C (NM_001406719.1); c.2075+2T>C (NM_001406721.1); c.590+2T>C (NM_001406722.1).
Identifiers: ClinVar variation 531318 (VCV000531318.13), dbSNP rs886040937, ClinGen allele CA387793208.

ClinVar aggregate classification (germline): Likely pathogenic. Review status: reviewed by expert panel (3 of 4 stars). 5 submissions from 5 submitters: Likely pathogenic (1). 4 of the submissions do not count toward it. Last evaluated 2026-11-19.

Conditions:
Hereditary breast ovarian cancer syndrome. Also called: Hereditary breast and/or ovarian cancer syndrome; Breast and ovarian cancer; Hereditary breast and ovarian cancer; Hereditary breast and ovarian cancer syndrome (HBOC); BRCA1- and BRCA2-Associated Hereditary Breast and Ovarian Cancer; Hereditary breast and ovarian cancer syndrome. Identifiers: Orphanet 145, MedGen C0677776, MeSH D061325, MONDO:0003582. Disease mechanism: loss of function.
BRCA2-related cancer predisposition. Identifiers: MedGen CN377758, MONDO:0700269.
Hereditary cancer-predisposing syndrome. Also called: Hereditary Cancer Syndrome; Hereditary neoplastic syndrome; Tumor predisposition; Neoplastic Syndromes, Hereditary. Identifiers: Orphanet 140162, MedGen C0027672, MeSH D009386, MONDO:0015356.

Allele frequency attached by ClinVar (database versions not stated): gnomAD exomes below 0.00001.
gnomAD v4.1: 2 of 1,603,088 alleles (0.00012%); highest among the groups gnomAD compares: African/African-American, 0.0013%; no homozygotes.

Submissions (5):

ClinGen ENIGMA BRCA1 and BRCA2 Variant Curation Expert Panel, ClinGen
Classification: Likely pathogenic for BRCA2-related cancer predisposition. Last evaluated: 2026-11-19. Review status: reviewed by expert panel. Criteria: CSpec BRCA1/2ACMG Rules Specifications V1.2. Collection method: curation. Allele origin: germline. Inheritance: Autosomal dominant inheritance.
Comment: The c.7007+2T>C variant is an intronic variant within the native donor 1,2 splice site occurring in intron 13 of the BRCA2 gene. This variant is recorded in gnomAD v4.1, however the Total GrpMax filtering allele frequency (the lower threshold of the 95% CI) was not calculated, therefore this variant does not meet any population code (BA1, BS1, BS1_Supporting, PM2_Supporting are not met). This variant occurs within the canonical splice donor site (+2) of intron 13 of the BRCA2 gene. It is predicted to cause skipping of biologically-relevant-exon 13, resulting in a frameshift leading to nonsense mediated decay (PVS1 met). Intronic variant, functional data considered only from assays that measure effect via mRNA and protein. Reported by one study incorporating mRNA splicing effects which was calibrated by the VCEP and provided pathogenic evidence at a supporting level (method described in VCEP Specifications Appendix E, Table 10). This variant exhibited protein function similar to pathogenic control variants (PMID:37713444) (PS3_Supporting met). In summary, this variant meets the criteria to be classified as a Likely pathogenic variant for BRCA2-related cancer predisposition based on the ACMG/AMP criteria applied as specified by the ENIGMA BRCA1/2 VCEP (PVS1, PS3_Supporting).

Labcorp Genetics (formerly Invitae), Labcorp
Classification: Pathogenic for Hereditary breast ovarian cancer syndrome. Last evaluated: 2022-11-15. Review status: criteria provided, single submitter. Criteria: Invitae Variant Classification Sherloc (09022015). Collection method: clinical testing. Allele origin: germline. Not counted in ClinVar's aggregate classification.
Comment: For these reasons, this variant has been classified as Pathogenic. Algorithms developed to predict the effect of sequence changes on RNA splicing suggest that this variant may disrupt the consensus splice site. Based on a multifactorial likelihood algorithm using genetic, in silico, and/or statistical data, this variant has been determined to have a high probability of being pathogenic (PMID: 21990134). ClinVar contains an entry for this variant (Variation ID: 531318). This variant has not been reported in the literature in individuals affected with BRCA2-related conditions. This variant is not present in population databases (gnomAD no frequency). This sequence change affects a donor splice site in intron 13 of the BRCA2 gene. It is expected to disrupt RNA splicing. Variants that disrupt the donor or acceptor splice site typically lead to a loss of protein function (PMID: 16199547), and loss-of-function variants in BRCA2 are known to be pathogenic (PMID: 20104584).

Ambry Genetics
Classification: Uncertain significance for Hereditary cancer-predisposing syndrome. Last evaluated: 2022-03-17. Review status: criteria provided, single submitter. Criteria: Ambry Variant Classification Scheme 2023. Collection method: clinical testing. Allele origin: germline. Not counted in ClinVar's aggregate classification.
Comment: The c.7007+2T>C intronic variant results from a T to C substitution two nucleotides after coding exon 12 in the BRCA2 gene. This alteration was identified in 1/3310 female patients who underwent BRCA1/2 testing in the Netherlands (Teixeira N et al. Eur J Hum Genet, 2018 06;26:848-857). In silico splice site analysis predicts that this alteration will weaken the native splice donor site. Alterations that disrupt the canonical splice site are expected to cause aberrant splicing, resulting in an abnormal protein or a transcript that is subject to nonsense-mediated mRNA decay; however, +2T>C alterations are capable of generating wild-type transcripts in some genomic contexts and should be interpreted with caution (Lin JH et al. Hum Mutat. 2019 10;40:1856-1873). Since supporting evidence is limited at this time, the clinical significance of this alteration remains unclear.

Clinical Genetics DNA and cytogenetics Diagnostics Lab, Erasmus MC, Erasmus Medical Center
Classification: Pathogenic. Review status: no assertion criteria provided. Collection method: clinical testing. Allele origin: germline. Affected: yes. Study: VKGL Data-share Consensus. Not counted in ClinVar's aggregate classification.

Joint Genome Diagnostic Labs from Nijmegen and Maastricht, Radboudumc and MUMC+
Classification: Pathogenic. Review status: no assertion criteria provided. Collection method: clinical testing. Allele origin: germline. Affected: yes. Study: VKGL Data-share Consensus. Not counted in ClinVar's aggregate classification.

Literature cited by the submitters: PubMed 21990134 (cited by Labcorp Genetics (formerly Invitae), Labcorp); PubMed 16199547 (cited by Labcorp Genetics (formerly Invitae), Labcorp); PubMed 20104584 (cited by Labcorp Genetics (formerly Invitae), Labcorp); PubMed 29483665 (cited by Ambry Genetics).